The following is an entry in ClinVar:

NM_015602.4(TOR1AIP1):c.155A>T (p.Gln52Leu)

Genes: TOR1AIP1 (torsin 1A interacting protein 1; plus strand), LOC112577517 (Sharpr-MPRA regulatory region 13766; plus strand). Cytogenetic location: 1q25.2.
Variant type: single nucleotide variant.
Coding change: c.155A>T on transcript NM_015602.4 (MANE Select); coding-DNA position 155, A replaced by T.
Protein change: p.Gln52Leu; replaces glutamine 52 with leucine.
Molecular consequence: missense variant.
Genome position (GRCh38, 1-based): chr1:179,882,657, A>T. VCF-style: chr1-179882657-A-T. GRCh37 (hg19) VCF-style: chr1-179851792-A-T.
Other names: p.Gln52Leu; c.155A>T, p.Gln52Leu (NM_001267578.2); short protein forms Q52L.
Identifiers: ClinVar variation 542852 (VCV000542852.17), dbSNP rs139690983, ClinGen allele CA1268674.

ClinVar aggregate classification (germline): Conflicting classifications of pathogenicity. Review status: criteria provided, conflicting classifications (1 of 4 stars). 5 submissions from 5 submitters: Uncertain significance (1); Likely benign (4). Last evaluated 2025-08-15.

Conditions:
Autosomal recessive limb-girdle muscular dystrophy type 2Y (MRRSDC). Also called: Muscular dystrophy, limb-girdle, type 2y; Muscular dystrophy, autosomal recessive, with rigid spine and distal joint contractures. Identifiers: Orphanet 424261, MedGen C4511482, MONDO:0014900, OMIM 617072.

Allele frequency attached by ClinVar (database versions not stated): gnomAD exomes 0.00008 and 0.00026; ExAC 0.00043; gnomAD 0.00054; 1000 Genomes Project 30x 0.00062; TOPMed 0.00076; 1000 Genomes Project 0.00080; ESP Exome Variant Server 0.00115.
gnomAD v4.1: 223 of 1,584,166 alleles (0.014%); highest among the groups gnomAD compares: African/African-American, 0.27%; 1 homozygote.

Submissions (5):

Mayo Clinic Laboratories, Mayo Clinic
Classification: Likely benign. Last evaluated: 2025-08-15. Review status: criteria provided, single submitter. Criteria: ACMG Guidelines, 2015. Collection method: clinical testing. Allele origin: germline. Observed: 2 variant alleles.
Comment: BS1, BP4

Labcorp Genetics (formerly Invitae), Labcorp
Classification: Likely benign for Autosomal recessive limb-girdle muscular dystrophy type 2Y. Last evaluated: 2025-03-04. Review status: criteria provided, single submitter. Criteria: Invitae Variant Classification Sherloc (09022015). Collection method: clinical testing. Allele origin: germline.

Blueprint Genetics
Classification: Likely benign. Last evaluated: 2024-11-12. Review status: criteria provided, single submitter. Criteria: ACMG Guidelines, 2015. Collection method: clinical testing. Allele origin: germline.

GeneDx
Classification: Likely benign. Last evaluated: 2022-03-29. Review status: criteria provided, single submitter. Criteria: GeneDx Variant Classification Process June 2021. Collection method: clinical testing. Allele origin: germline. Affected: yes.

Revvity Omics, Revvity
Classification: Uncertain significance. Last evaluated: 2019-04-10. Review status: criteria provided, single submitter. Criteria: ACMG Guidelines, 2015. Collection method: clinical testing. Allele origin: germline.